The following is an entry in ClinVar:

NM_002291.3(LAMB1):c.3077G>A (p.Arg1026Gln)

Gene: LAMB1 (laminin subunit beta 1; minus strand). Cytogenetic location: 7q31.1.
Variant type: single nucleotide variant.
Coding change: c.3077G>A on transcript NM_002291.3 (MANE Select); coding-DNA position 3077, G replaced by A.
Protein change: p.Arg1026Gln; replaces arginine 1026 with glutamine.
Molecular consequence: missense variant.
Genome position (GRCh38, 1-based): chr7:107,953,532, C>T on the plus strand (G>A on the coding strand, the complement: LAMB1 is on the minus strand). VCF-style: chr7-107953532-C-T. GRCh37 (hg19) VCF-style: chr7-107593977-C-T.
Other names: short protein forms R1026Q.
Identifiers: ClinVar variation 1188133 (VCV001188133.11), dbSNP rs193010498, ClinGen allele CA4435445.
Genomic context (GRCh38, chr7:107,953,532, plus strand): 5'-TAATGAAAAAAAGGTGGAAGTCATTCTAAGAAGTGGGCAGAATAAATGTGCATCTTACTT[C>T]GACAGTCCTGCTGGAGGGCATCACCATAGTATCCAAACCGGCAGAACTGACAGTGTTCCC-3'
Protein context (NP_002282.2, residues 1016-1036): YYGDALQQDC[Arg1026Gln]KCVCNYLGTV

ClinVar aggregate classification (germline): Uncertain significance. Review status: criteria provided, multiple submitters, no conflicts (2 of 4 stars). 3 submissions from 3 submitters: Uncertain significance (2). 1 of the submissions does not count toward it. Last evaluated 2025-07-02.

Conditions:
LAMB1-related disorder. Also called: LAMB1-related condition.

gnomAD v4.1: 103 of 1,610,024 alleles (0.0064%); highest among the groups gnomAD compares: Admixed American, 0.11%; no homozygotes.

Submissions (3):

Labcorp Genetics (formerly Invitae), Labcorp
Classification: Uncertain significance. Last evaluated: 2025-07-02. Review status: criteria provided, single submitter. Criteria: Invitae Variant Classification Sherloc (09022015). Collection method: clinical testing. Allele origin: germline.
Comment: This sequence change replaces arginine, which is basic and polar, with glutamine, which is neutral and polar, at codon 1026 of the LAMB1 protein (p.Arg1026Gln). This variant is present in population databases (rs193010498, gnomAD 0.2%). This variant has not been reported in the literature in individuals affected with LAMB1-related conditions. ClinVar contains an entry for this variant (Variation ID: 1188133). An algorithm developed to predict the effect of missense changes on protein structure and function (PolyPhen-2) suggests that this variant is likely to be disruptive. In summary, the available evidence is currently insufficient to determine the role of this variant in disease. Therefore, it has been classified as a Variant of Uncertain Significance.

GeneDx
Classification: Uncertain significance. Last evaluated: 2025-04-15. Review status: criteria provided, single submitter. Criteria: GeneDx Variant Classification Process June 2021. Collection method: clinical testing. Allele origin: germline. Affected: yes.
Comment: In silico analysis indicates that this missense variant does not alter protein structure/function; Has not been previously published as pathogenic or benign to our knowledge; This variant is associated with the following publications: (PMID: 23472759)

PreventionGenetics, part of Exact Sciences
Classification: Likely benign for LAMB1-related condition. Last evaluated: 2022-02-07. Review status: no assertion criteria provided. Collection method: clinical testing. Allele origin: germline. Not counted in ClinVar's aggregate classification.
Comment: This variant is classified as likely benign based on ACMG/AMP sequence variant interpretation guidelines (Richards et al. 2015 PMID: 25741868, with internal and published modifications).